The following is an entry in ClinVar:

NM_017654.4(SAMD9):c.1074T>C (p.Asp358=)

Gene: SAMD9 (sterile alpha motif domain containing 9; minus strand). Cytogenetic location: 7q21.2.
Variant type: single nucleotide variant.
Coding change: c.1074T>C on transcript NM_017654.4 (MANE Select); coding-DNA position 1074, T replaced by C.
Protein change: p.Asp358=; no amino-acid change (aspartic acid 358 retained).
Molecular consequence: synonymous variant.
Genome position (GRCh38, 1-based): chr7:93,105,024, A>G on the plus strand (T>C on the coding strand, the complement: SAMD9 is on the minus strand). VCF-style: chr7-93105024-A-G. GRCh37 (hg19) VCF-style: chr7-92734337-A-G.
Other names: c.1074T>C, p.Asp358= (NM_001193307.2); c.1074T>C (NM_017654.3).
Identifiers: ClinVar variation 2981529 (VCV002981529.5), dbSNP rs1791607485, ClinGen allele CA456626949.

ClinVar aggregate classification (germline): Likely benign. Review status: criteria provided, multiple submitters, no conflicts (2 of 4 stars). 3 submissions from 3 submitters: Likely benign (3). Last evaluated 2025-07-06.

Conditions:
Inborn genetic diseases. Identifiers: MedGen C0950123, MeSH D030342.

Allele frequency attached by ClinVar (database versions not stated): gnomAD 0.00001.

Submissions (3):

Labcorp Genetics (formerly Invitae), Labcorp
Classification: Likely benign. Last evaluated: 2025-07-06. Review status: criteria provided, single submitter. Criteria: Invitae Variant Classification Sherloc (09022015). Collection method: clinical testing. Allele origin: germline.

Ambry Genetics
Classification: Likely benign for Inborn genetic diseases. Last evaluated: 2024-12-31. Review status: criteria provided, single submitter. Criteria: Ambry Variant Classification Scheme 2023. Collection method: clinical testing. Allele origin: germline.

Women's Health and Genetics/Laboratory Corporation of America, LabCorp
Classification: Likely benign. Last evaluated: 2024-10-16. Review status: criteria provided, single submitter. Criteria: LabCorp Variant Classification Summary - May 2015. Collection method: clinical testing. Allele origin: germline.
Comment: Variant summary: SAMD9 c.1074T>C alters a conserved nucleotide resulting in a synonymous change. Consensus agreement among computation tools predict no significant impact on normal splicing. However, these predictions have yet to be confirmed by functional studies. The variant was absent in 251108 control chromosomes (gnomAD). The available data on variant occurrences in the general population are insufficient to allow any conclusion about variant significance. To our knowledge, no occurrence of c.1074T>C in individuals affected with MIRAGE Syndrome and no experimental evidence demonstrating its impact on protein function have been reported. ClinVar contains an entry for this variant (Variation ID: 2981529). Based on the evidence outlined above, the variant was classified as likely benign.